The following is an entry in ClinVar:

ClinVar aggregate classification (germline): Uncertain significance. Review status: criteria provided, multiple submitters, no conflicts (2 of 4 stars). 2 submissions from 2 submitters: Uncertain significance (2). Last evaluated 2026-04-29.

Conditions:
BBS7-related disorder. Also called: BBS7-related condition.
Bardet-Biedl syndrome 7 (BBS7). Identifiers: Orphanet 110, MedGen C1859565, MONDO:0014435, OMIM 615984.

Submissions (2):

PreventionGenetics, part of Exact Sciences
Classification: Uncertain significance for BBS7-related condition. Last evaluated: 2026-04-29. Review status: criteria provided, single submitter. Criteria: ACMG Guidelines, 2015. Collection method: clinical testing. Allele origin: germline.
Comment: The BBS7 c.500G>A variant is predicted to result in the amino acid substitution p.Cys167Tyr. To our knowledge, this variant has not been reported in the literature or in a large population database (gnomAD), indicating this variant is rare. At this time, the clinical significance of this variant is uncertain due to the absence of conclusive functional and genetic evidence.

Revvity Omics, Revvity
Classification: Uncertain significance for Bardet-Biedl syndrome 7. Last evaluated: 2022-12-12. Review status: criteria provided, single submitter. Criteria: ACMG Guidelines, 2015. Collection method: clinical testing. Allele origin: germline.

NM_176824.3(BBS7):c.500G>A (p.Cys167Tyr)

Gene: BBS7 (Bardet-Biedl syndrome 7; minus strand). Cytogenetic location: 4q27.
Variant type: single nucleotide variant.
Coding change: c.500G>A on transcript NM_176824.3 (MANE Select); coding-DNA position 500, G replaced by A.
Protein change: p.Cys167Tyr; replaces cysteine 167 with tyrosine.
Molecular consequence: missense variant.
Genome position (GRCh38, 1-based): chr4:121,859,020, C>T on the plus strand (G>A on the coding strand, the complement: BBS7 is on the minus strand). VCF-style: chr4-121859020-C-T. GRCh37 (hg19) VCF-style: chr4-122780175-C-T.
Other names: c.500G>A, p.Cys167Tyr (NM_018190.4); c.500G>A (NM_176824.2); short protein forms C167Y.
Identifiers: ClinVar variation 2439481 (VCV002439481.4), dbSNP rs2476548070, ClinGen allele CA358042816.
Genomic context (GRCh38, chr4:121,859,020, plus strand): 5'-TAAAAAATTAGAAAAATACAAATAACAGCAACCTGTAAAACTCTGAGCACTCTGTCCTGG[C>T]AGGCCAATACAGGTGTGATACGAGATAATCTTTCCACTGGAAGGCAGATCACATCATTGA-3'
Protein context (NP_789794.1, residues 157-177): RLSRITPVLA[Cys167Tyr]QDRVLRVLQG